The following is an entry in ClinVar:

ClinVar aggregate classification (germline): Uncertain significance (1 of 4 stars; one submission).

Conditions:
Hereditary cancer-predisposing syndrome. Also called: Neoplastic Syndromes, Hereditary; Tumor predisposition; Hereditary Cancer Syndrome; Hereditary neoplastic syndrome. Identifiers: Orphanet 140162, MedGen C0027672, MeSH D009386, MONDO:0015356.

Allele frequency attached by ClinVar (database versions not stated): gnomAD exomes below 0.00001.
gnomAD v4.1: 1 of 1,614,016 alleles (0.000062%); highest among the groups gnomAD compares: East Asian, 0.0022%; no homozygotes.

Submission:

Ambry Genetics
Classification: Uncertain significance for Hereditary cancer-predisposing syndrome. Last evaluated: 2022-09-09. Review status: criteria provided, single submitter. Criteria: Ambry Variant Classification Scheme 2023. Collection method: clinical testing. Allele origin: germline.
Comment: The p.Q2500H variant (also known as c.7500G>T), located in coding exon 15 of the APC gene, results from a G to T substitution at nucleotide position 7500. The glutamine at codon 2500 is replaced by histidine, an amino acid with highly similar properties. This amino acid position is conserved. In addition, in silico predictors for this gene do not accurately predict pathogenicity. Since supporting evidence is limited at this time, the clinical significance of this alteration remains unclear.

NM_000038.6(APC):c.7500G>T (p.Gln2500His)

Gene: APC (APC regulator of Wnt signaling pathway; plus strand). Cytogenetic location: 5q22.2.
Variant type: single nucleotide variant.
Coding change: c.7500G>T on transcript NM_000038.6 (MANE Select); coding-DNA position 7500, G replaced by T.
Protein change: p.Gln2500His; replaces glutamine 2500 with histidine.
Molecular consequence: missense variant.
Genome position (GRCh38, 1-based): chr5:112,843,094, G>T. VCF-style: chr5-112843094-G-T. GRCh37 (hg19) VCF-style: chr5-112178791-G-T.
Other names: c.7500G>T, p.Gln2500His (NM_001127510.3, NM_001354895.2, NM_001407450.1); c.7446G>T, p.Gln2482His (NM_001127511.3); c.7554G>T, p.Gln2518His (NM_001354896.2, NM_001407447.1, NM_001407448.1 and 1 more transcripts); c.7530G>T, p.Gln2510His (NM_001354897.2); c.7425G>T, p.Gln2475His (NM_001354898.2); c.7416G>T, p.Gln2472His (NM_001354899.2); c.7377G>T, p.Gln2459His (NM_001354900.2); c.7323G>T, p.Gln2441His (NM_001354901.2, NM_001407453.1); and 11 more; short protein forms Q2475H, Q2482H, Q2399H, Q2459H, Q2472H, Q2493H, Q2528H, Q2371H.
Identifiers: ClinVar variation 1759218 (VCV001759218.2), dbSNP rs1766496160, ClinGen allele CA16037642.